The following is an entry in ClinVar:

NM_001009944.3(PKD1):c.4173T>A (p.Phe1391Leu)

Gene: PKD1 (polycystin 1, transient receptor potential channel interacting; minus strand). Cytogenetic location: 16p13.3.
Variant type: single nucleotide variant.
Coding change: c.4173T>A on transcript NM_001009944.3 (MANE Select); coding-DNA position 4173, T replaced by A.
Protein change: p.Phe1391Leu; replaces phenylalanine 1391 with leucine.
Molecular consequence: missense variant.
Genome position (GRCh38, 1-based): chr16:2,110,994, A>T on the plus strand (T>A on the coding strand, the complement: PKD1 is on the minus strand). VCF-style: chr16-2110994-A-T. GRCh37 (hg19) VCF-style: chr16-2160995-A-T.
Other names: c.4173T>A, p.Phe1391Leu (NM_000296.4); short protein forms F1391L.
Identifiers: ClinVar variation 3901580 (VCV003901580.1).

ClinVar aggregate classification (germline): Uncertain significance (1 of 4 stars; one submission).

gnomAD v4.1: 3 of 1,610,522 alleles (0.00019%); highest among the groups gnomAD compares: African/African-American, 0.004%; no homozygotes.

Submission:

GeneDx
Classification: Uncertain significance. Last evaluated: 2024-12-04. Review status: criteria provided, single submitter. Criteria: GeneDx Variant Classification Process June 2021. Collection method: clinical testing. Allele origin: germline. Affected: yes.
Comment: Not observed at significant frequency in large population cohorts (gnomAD); In silico analysis indicates that this missense variant does not alter protein structure/function; Has not been previously published as pathogenic or benign to our knowledge